The following is an entry in ClinVar:

ClinVar aggregate classification (germline): Likely benign. Review status: criteria provided, multiple submitters, no conflicts (2 of 4 stars). 4 submissions from 4 submitters: Likely benign (4). Last evaluated 2026-06-16.

Conditions:
AKAP9-related disorder. Also called: AKAP9-related condition.
Long QT syndrome (LQTS). Identifiers: MedGen C0023976, MeSH D008133, MONDO:0002442. Disease mechanism: loss of function. Inheritance: Various modes of inheritance.
Cardiovascular phenotype. Identifiers: MedGen CN230736.

Allele frequency attached by ClinVar (database versions not stated): gnomAD exomes 0.00005 and 0.00012; ExAC 0.00013; 1000 Genomes Project 0.00020; 1000 Genomes Project 30x 0.00031; gnomAD 0.00043; TOPMed 0.00051; ESP Exome Variant Server 0.00054.
gnomAD v4.1: 141 of 1,614,162 alleles (0.0087%); highest among the groups gnomAD compares: African/African-American, 0.17%; no homozygotes.

Submissions (4):

PreventionGenetics, part of Exact Sciences
Classification: Likely benign for AKAP9-related condition. Last evaluated: 2026-06-16. Review status: criteria provided, single submitter. Criteria: ACMG Guidelines, 2015. Collection method: clinical testing. Allele origin: germline.
Comment: This variant is classified as likely benign based on ACMG/AMP sequence variant interpretation guidelines (Richards et al. 2015 PMID: 25741868, with internal and published modifications).

Labcorp Genetics (formerly Invitae), Labcorp
Classification: Likely benign for Long QT syndrome. Last evaluated: 2026-01-14. Review status: criteria provided, single submitter. Criteria: Invitae Variant Classification Sherloc (09022015). Collection method: clinical testing. Allele origin: germline.

Ambry Genetics
Classification: Likely benign for Cardiovascular phenotype. Last evaluated: 2018-10-31. Review status: criteria provided, single submitter. Criteria: Ambry Variant Classification Scheme 2023. Collection method: clinical testing. Allele origin: germline.

GeneDx
Classification: Likely benign. Last evaluated: 2015-05-11. Review status: criteria provided, single submitter. Criteria: GeneDx Variant Classification (06012015). Collection method: clinical testing. Allele origin: germline. Affected: yes.
Comment: This variant is considered likely benign or benign based on one or more of the following criteria: it is a conservative change, it occurs at a poorly conserved position in the protein, it is predicted to be benign by multiple in silico algorithms, and/or has population frequency not consistent with disease.

NM_005751.5(AKAP9):c.158A>G (p.His53Arg)

Gene: AKAP9 (A-kinase anchoring protein 9; plus strand). Cytogenetic location: 7q21.2.
Variant type: single nucleotide variant.
Coding change: c.158A>G on transcript NM_005751.5 (MANE Select); coding-DNA position 158, A replaced by G.
Protein change: p.His53Arg; replaces histidine 53 with arginine.
Molecular consequence: missense variant.
Genome position (GRCh38, 1-based): chr7:91,973,820, A>G. VCF-style: chr7-91973820-A-G. GRCh37 (hg19) VCF-style: chr7-91603134-A-G.
Other names: c.158A>G, p.His53Arg (NM_147185.3); short protein forms H53R.
Identifiers: ClinVar variation 360813 (VCV000360813.17), dbSNP rs142125596, ClinGen allele CA4335739.